The following is an entry in ClinVar:

NM_001303.4(COX10):c.413_414del (p.Lys138fs)

Gene: COX10 (cytochrome c oxidase assembly factor heme A:farnesyltransferase COX10; plus strand). Cytogenetic location: 17p12.
Variant type: Deletion.
Coding change: c.413_414del on transcript NM_001303.4 (MANE Select); coding-DNA positions 413 to 414, 2 bases deleted (AA; older notation c.413_414delAA).
Protein change: p.Lys138fs; shifts the reading frame from lysine 138.
Molecular consequence: frameshift variant.
Genome position (GRCh38, 1-based): chr17:14,076,970-14,076,971, AA deleted; deleting any 2 consecutive bases within chr17:14,076,968-14,076,971 gives the same sequence; the c. name uses the placement nearest the transcript's 3' end. VCF-style (leftmost placement, unchanged base first): chr17-14076967-CAA-C. GRCh37 (hg19) VCF-style: chr17-13980284-CAA-C.
Other names: c.413_414delAA (NM_001303.4); short protein forms K138fs.
Identifiers: ClinVar variation 1677043 (VCV001677043.5), dbSNP rs2142182514, ClinGen allele CA2573153203.
Genomic context (GRCh38, chr17:14,076,967, plus strand): 5'-AATTGATAGAACTAGAGCCAGACTCAGTAATTGAAGACTCAATAGATGTAGGGAAAGAGA[CAA>C]AAGAGGAAAAGCGGTGGAAAGAGATGAAGCTGCAAGTGTATGATTTGCCAGGAATTTTGG-3'

ClinVar aggregate classification (germline): Conflicting classifications of pathogenicity. Review status: criteria provided, conflicting classifications (1 of 4 stars). 2 submissions from 2 submitters: Likely pathogenic (1); Uncertain significance (1). Last evaluated 2025-07-17.

Conditions:
Mitochondrial complex IV deficiency, nuclear type 3. Also called: Mitochondrial complex 4 deficiency, nuclear type 3. Identifiers: MedGen C5436682, MONDO:0033635, OMIM 619046.

Submissions (3):

Women's Health and Genetics/Laboratory Corporation of America, LabCorp
Classification: Uncertain significance. Last evaluated: 2025-07-17. Review status: criteria provided, single submitter. Criteria: LabCorp Variant Classification Summary - May 2015. Collection method: clinical testing. Allele origin: germline.
Comment: Variant summary: COX10 c.413_414delAA (p.Lys138ArgfsX14) results in a premature termination codon, predicted to cause absence of the protein due to nonsense mediated decay, however current evidence is not sufficient to establish loss of function as a mechanism for disease. The variant was absent in 251386 control chromosomes (gnomAD). The available data on variant occurrences in the general population are insufficient to allow any conclusion about variant significance. To our knowledge, no occurrence of c.413_414delAA in individuals affected with Mitochondrial Complex 4 Deficiency, Nuclear Type 3 and no experimental evidence demonstrating its impact on protein function have been reported. ClinVar contains an entry for this variant (Variation ID: 1677043). Based on the evidence outlined above, the variant was classified as uncertain significance.

Fulgent Genetics
Classification: Likely pathogenic for Mitochondrial complex IV deficiency, nuclear type 3. Last evaluated: 2022-02-14. Review status: criteria provided, single submitter. Criteria: ACMG Guidelines, 2015. Collection method: clinical testing. Allele origin: unknown.

Johnston Lab, North Central College
No classification provided (evidence only). Review status: no classification provided. Collection method: in vitro. Allele origin: not applicable. Functional consequence: loss_of_function_variant. Not counted in ClinVar's aggregate classification.
ClinVar note: "not provided" was previously submitted as the classification for the variant. However, the classification appeared to be based only on an observation of functional data so it was converted to no classification on 2025-07-30.